The following is an entry in ClinVar:

ClinVar aggregate classification (germline): Uncertain significance (1 of 4 stars; one submission).

Submission:

Labcorp Genetics (formerly Invitae), Labcorp
Classification: Uncertain significance. Last evaluated: 2021-03-07. Review status: criteria provided, single submitter. Criteria: Invitae Variant Classification Sherloc (09022015). Collection method: clinical testing. Allele origin: germline.
Comment: This sequence change replaces glutamine with arginine at codon 450 of the CEP152 protein (p.Gln450Arg). The glutamine residue is moderately conserved and there is a small physicochemical difference between glutamine and arginine. This variant is not present in population databases (ExAC no frequency). This variant has not been reported in the literature in individuals with CEP152-related conditions. Algorithms developed to predict the effect of missense changes on protein structure and function output the following: SIFT: "Tolerated"; PolyPhen-2: "Benign"; Align-GVGD: "Class C0". The arginine amino acid residue is found in multiple mammalian species, suggesting that this missense change does not adversely affect protein function. These predictions have not been confirmed by published functional studies and their clinical significance is uncertain. In summary, the available evidence is currently insufficient to determine the role of this variant in disease. Therefore, it has been classified as a Variant of Uncertain Significance.

NM_001194998.2(CEP152):c.1349A>G (p.Gln450Arg)

Gene: CEP152 (centrosomal protein 152; minus strand). Cytogenetic location: 15q21.1.
Variant type: single nucleotide variant.
Coding change: c.1349A>G on transcript NM_001194998.2 (MANE Select); coding-DNA position 1349, A replaced by G.
Protein change: p.Gln450Arg; replaces glutamine 450 with arginine.
Molecular consequence: missense variant.
Genome position (GRCh38, 1-based): chr15:48,782,203, T>C on the plus strand (A>G on the coding strand, the complement: CEP152 is on the minus strand). VCF-style: chr15-48782203-T-C. GRCh37 (hg19) VCF-style: chr15-49074400-T-C.
Other names: c.1349A>G, p.Gln450Arg (NM_014985.4); short protein forms Q450R.
Identifiers: ClinVar variation 1412858 (VCV001412858.8), dbSNP rs2140842220, ClinGen allele CA392354121.